The following is an entry in ClinVar:

NM_000441.2(SLC26A4):c.25G>A (p.Glu9Lys)

Genes: SLC26A4 (solute carrier family 26 member 4; plus strand), SLC26A4-AS1 (SLC26A4 antisense RNA 1; minus strand). Cytogenetic location: 7q22.3.
Variant type: single nucleotide variant.
Coding change: c.25G>A on transcript NM_000441.2 (MANE Select); coding-DNA position 25, G replaced by A.
Protein change: p.Glu9Lys; replaces glutamic acid 9 with lysine.
Molecular consequence: missense variant. On other transcripts: non-coding transcript variant (1).
Genome position (GRCh38, 1-based): chr7:107,661,666, G>A. VCF-style: chr7-107661666-G-A. GRCh37 (hg19) VCF-style: chr7-107302111-G-A.
Other names: short protein forms E9K.
Identifiers: ClinVar variation 2576933 (VCV002576933.1), dbSNP rs758648839, ClinGen allele CA4432350.

ClinVar aggregate classification (germline): Uncertain significance (1 of 4 stars; one submission).

Allele frequency attached by ClinVar (database versions not stated): gnomAD exomes 0.00001.
gnomAD v4.1: 12 of 1,568,944 alleles (0.00076%); highest among the groups gnomAD compares: South Asian, 0.014%; no homozygotes.

Submission:

GeneDx
Classification: Uncertain significance. Last evaluated: 2023-02-21. Review status: criteria provided, single submitter. Criteria: GeneDx Variant Classification Process June 2021. Collection method: clinical testing. Allele origin: germline. Affected: yes.
Comment: Not observed at significant frequency in large population cohorts (gnomAD); In silico analysis supports that this missense variant does not alter protein structure/function; Has not been previously published as pathogenic or benign to our knowledge